The following is an entry in ClinVar:

NM_001330260.2(SCN8A):c.3792G>A (p.Trp1264Ter)

Gene: SCN8A (sodium voltage-gated channel alpha subunit 8; plus strand). Cytogenetic location: 12q13.13.
Variant type: single nucleotide variant.
Coding change: c.3792G>A on transcript NM_001330260.2 (MANE Select); coding-DNA position 3792, G replaced by A.
Protein change: p.Trp1264Ter; replaces tryptophan 1264 with a stop codon.
Molecular consequence: nonsense.
Genome position (GRCh38, 1-based): chr12:51,774,335, G>A. VCF-style: chr12-51774335-G-A. GRCh37 (hg19) VCF-style: chr12-52168119-G-A.
Other names: c.3792G>A, p.Trp1264Ter (NM_001177984.3, NM_001369788.1, NM_014191.4); short protein forms W1264*.
Identifiers: ClinVar variation 3775072 (VCV003775072.1), dbSNP rs1555226860.

ClinVar aggregate classification (germline): Likely pathogenic (1 of 4 stars; one submission).

Conditions:
Cognitive impairment with or without cerebellar ataxia (CIAT). Identifiers: MedGen C3280415, MONDO:0013680, OMIM 614306.

Submission:

Institute of Human Genetics, University of Goettingen
Classification: Likely pathogenic for Cognitive impairment with or without cerebellar ataxia. Last evaluated: 2025-03-13. Review status: criteria provided, single submitter. Criteria: ACMG Guidelines, 2015. Collection method: clinical testing. Allele origin: unknown. Inheritance: Autosomal dominant inheritance. Affected: yes. Observed: 1 heterozygote.
Comment: The NM_001330260.2(SCN8A):​c.3792G>A​(p.Trp1264*) variant causes a stop gained change involving the alteration of a conserved nucleotide. The variant was absent in control chromosomes in GnomAD project. In-silico tool predicts a pathogenic outcome for this variant. Variant results in nonsense mediated mRNA decay. ACMG criteria: PVS1, PM2_sup